The following is an entry in ClinVar:

NM_004655.4(AXIN2):c.86A>T (p.Glu29Val)

Gene: AXIN2 (axin 2; minus strand). Cytogenetic location: 17q24.1.
Variant type: single nucleotide variant.
Coding change: c.86A>T on transcript NM_004655.4 (MANE Select); coding-DNA position 86, A replaced by T.
Protein change: p.Glu29Val; replaces glutamic acid 29 with valine.
Molecular consequence: missense variant.
Genome position (GRCh38, 1-based): chr17:65,558,535, T>A on the plus strand (A>T on the coding strand, the complement: AXIN2 is on the minus strand). VCF-style: chr17-65558535-T-A. GRCh37 (hg19) VCF-style: chr17-63554653-T-A.
Other names: c.86A>T, p.Glu29Val (NM_001363813.1); short protein forms E29V.
Identifiers: ClinVar variation 5032587 (VCV005032587.1).

ClinVar aggregate classification (germline): Uncertain significance (1 of 4 stars; one submission).

Conditions:
Hereditary cancer-predisposing syndrome. Also called: Neoplastic Syndromes, Hereditary; Tumor predisposition; Hereditary neoplastic syndrome; Hereditary Cancer Syndrome. Identifiers: Orphanet 140162, MedGen C0027672, MeSH D009386, MONDO:0015356.

Submission:

Ambry Genetics
Classification: Uncertain significance for Hereditary cancer-predisposing syndrome. Last evaluated: 2026-07-07. Review status: criteria provided, single submitter. Criteria: Ambry Variant Classification Scheme 2023. Collection method: clinical testing. Allele origin: germline.
Comment: The p.E29V variant (also known as c.86A>T), located in coding exon 1 of the AXIN2 gene, results from an A to T substitution at nucleotide position 86. The glutamic acid at codon 29 is replaced by valine, an amino acid with dissimilar properties. This amino acid position is conserved. In addition, the in silico prediction for this alteration is inconclusive. Based on the available evidence, the clinical significance of this variant remains unclear.